The following is an entry in ClinVar:

NM_003482.4(KMT2D):c.4669C>G (p.Gln1557Glu)

Gene: KMT2D (lysine methyltransferase 2D; minus strand). Cytogenetic location: 12q13.12.
Variant type: single nucleotide variant.
Coding change: c.4669C>G on transcript NM_003482.4 (MANE Select); coding-DNA position 4669, C replaced by G.
Protein change: p.Gln1557Glu; replaces glutamine 1557 with glutamic acid.
Molecular consequence: missense variant.
Genome position (GRCh38, 1-based): chr12:49,046,089, G>C on the plus strand (C>G on the coding strand, the complement: KMT2D is on the minus strand). VCF-style: chr12-49046089-G-C. GRCh37 (hg19) VCF-style: chr12-49439872-G-C.
Other names: short protein forms Q1557E.
Identifiers: ClinVar variation 1683608 (VCV001683608.8), dbSNP rs1282795733, ClinGen allele CA384644226.
Genomic context (GRCh38, chr12:49,046,089, plus strand): 5'-TCTGACTCCTCCCCCTACCCAGCAGCTGGTACTCACCCACAGGCTTTACCACGTAGGGCT[G>C]GCAGGAGACACAGTCAAAGCCTTCATCGGCTGCCTGCTCCACATCGTCCTCTGTGAAGAG-3'
Protein context (NP_003473.3, residues 1547-1567): ADEGFDCVSC[Gln1557Glu]PYVVKPVAPV

ClinVar aggregate classification (germline): Uncertain significance. Review status: criteria provided, multiple submitters, no conflicts (2 of 4 stars). 4 submissions from 4 submitters: Uncertain significance (4). Last evaluated 2026-02-13.

Conditions:
Kabuki syndrome 1 (KABUK1). Also called: KMT2D-Related Kabuki Syndrome. Identifiers: Orphanet 2322, MedGen CN030661, MONDO:0007843, OMIM 147920.
Kabuki syndrome. Also called: NIIKAWA-KUROKI SYNDROME; Kabuki make-up syndrome. Identifiers: Orphanet 2322, MedGen C0796004, MONDO:0016512.

Submissions (4):

OLLIN Analises Genomicas, OLLIN
Classification: Uncertain significance for Kabuki syndrome 1. Last evaluated: 2026-02-13. Review status: criteria provided, single submitter. Criteria: ACMG Guidelines 2015 PMID 25741868. Collection method: clinical testing. Allele origin: germline. Observed: 1 variant allele.
Comment: PM2_P, BP4

Dasa
Classification: Uncertain significance. Last evaluated: 2026-01-30. Review status: criteria provided, single submitter. Criteria: DASA Assertion Criteria. Collection method: clinical testing. Allele origin: germline.
Comment: NM_003482.4(KMT2D):c.4669C>G (p.Gln1557Glu) is a missense variant that results in the substitution of glutamine with glutamic acid. This variant is rare in population databases. Computational prediction algorithms are consistent with a benign effect. The currently available literature and clinical evidence are not sufficient to establish a definitive association between this variant and the reported condition. Therefore, this variant is classified as a variant of uncertain significance.

Labcorp Genetics (formerly Invitae), Labcorp
Classification: Uncertain significance for Kabuki syndrome. Last evaluated: 2025-07-10. Review status: criteria provided, single submitter. Criteria: Invitae Variant Classification Sherloc (09022015). Collection method: clinical testing. Allele origin: germline.
Comment: This sequence change replaces glutamine, which is neutral and polar, with glutamic acid, which is acidic and polar, at codon 1557 of the KMT2D protein (p.Gln1557Glu). This variant is not present in population databases (gnomAD no frequency). This variant has not been reported in the literature in individuals affected with KMT2D-related conditions. ClinVar contains an entry for this variant (Variation ID: 1683608). Invitae Evidence Modeling of protein sequence and biophysical properties (such as structural, functional, and spatial information, amino acid conservation, physicochemical variation, residue mobility, and thermodynamic stability) indicates that this missense variant is not expected to disrupt KMT2D protein function with a negative predictive value of 95%. In summary, the available evidence is currently insufficient to determine the role of this variant in disease. Therefore, it has been classified as a Variant of Uncertain Significance.

Laboratorio de Genetica e Diagnostico Molecular, Hospital Israelita Albert Einstein
Classification: Uncertain significance for Kabuki syndrome 1. Last evaluated: 2021-05-13. Review status: criteria provided, single submitter. Criteria: ACMG Guidelines, 2015. Collection method: clinical testing. Allele origin: germline. Affected: yes.
Comment: ACMG classification criteria: PM2 moderate, BP4 supporting